The following is an entry in ClinVar:

NM_022336.4(EDAR):c.857G>C (p.Ser286Thr)

Genes: EDAR (ectodysplasin A receptor; minus strand), RANBP2 (RAN binding protein 2; plus strand). Cytogenetic location: 2q13.
Variant type: single nucleotide variant.
Coding change: c.857G>C on transcript NM_022336.4 (MANE Select); coding-DNA position 857, G replaced by C.
Protein change: p.Ser286Thr; replaces serine 286 with threonine.
Molecular consequence: missense variant.
Genome position (GRCh38, 1-based): chr2:108,907,966, C>G on the plus strand (G>C on the coding strand, the complement: EDAR is on the minus strand). VCF-style: chr2-108907966-C-G. GRCh37 (hg19) VCF-style: chr2-109524422-C-G.
Other names: c.857G>C (NM_022336.3); short protein forms S286T.
Identifiers: ClinVar variation 1984049 (VCV001984049.5), dbSNP rs894253618, ClinGen allele CA53473326.

ClinVar aggregate classification (germline): Uncertain significance. Review status: criteria provided, multiple submitters, no conflicts (2 of 4 stars). 2 submissions from 2 submitters: Uncertain significance (2). Last evaluated 2025-03-10.

Conditions:
Autosomal recessive hypohidrotic ectodermal dysplasia syndrome. Also called: Autosomal recessive hypohidrotic ectodermal dysplasia. Identifiers: Orphanet 248, MedGen C0406702, MONDO:0016619.
Ectodermal dysplasia 10A, hypohidrotic/hair/nail type, autosomal dominant (ECTD10A). Also called: Ectodermal Dysplasia 3, Anhidrotic. Identifiers: Orphanet 1810, Orphanet 238468, MedGen C3888065, MONDO:0007509, OMIM 129490.
Inborn genetic diseases. Identifiers: MedGen C0950123, MeSH D030342.

Allele frequency attached by ClinVar (database versions not stated): gnomAD exomes 0.00002.
gnomAD v4.1: 34 of 1,613,358 alleles (0.0021%); highest among the groups gnomAD compares: Non-Finnish European, 0.0029%; no homozygotes.

Submissions (2):

Ambry Genetics
Classification: Uncertain significance for Inborn genetic diseases. Last evaluated: 2025-03-10. Review status: criteria provided, single submitter. Criteria: Ambry Variant Classification Scheme 2023. Collection method: clinical testing. Allele origin: germline.

Labcorp Genetics (formerly Invitae), Labcorp
Classification: Uncertain significance for Ectodermal dysplasia 10A, hypohidrotic/hair/nail type, autosomal dominant; Autosomal recessive hypohidrotic ectodermal dysplasia syndrome. Last evaluated: 2022-10-05. Review status: criteria provided, single submitter. Criteria: Invitae Variant Classification Sherloc (09022015). Collection method: clinical testing. Allele origin: germline.
Comment: This variant is present in population databases (no rsID available, gnomAD 0.0009%). This sequence change replaces serine, which is neutral and polar, with threonine, which is neutral and polar, at codon 286 of the EDAR protein (p.Ser286Thr). In summary, the available evidence is currently insufficient to determine the role of this variant in disease. Therefore, it has been classified as a Variant of Uncertain Significance. Algorithms developed to predict the effect of missense changes on protein structure and function (SIFT, PolyPhen-2, Align-GVGD) all suggest that this variant is likely to be disruptive. This variant has not been reported in the literature in individuals affected with EDAR-related conditions.